The following is an entry in ClinVar:

NM_005591.4(MRE11):c.305G>C (p.Gly102Ala)

Gene: MRE11 (MRE11 double strand break repair nuclease; minus strand). Cytogenetic location: 11q21.
Variant type: single nucleotide variant.
Coding change: c.305G>C on transcript NM_005591.4 (MANE Select); coding-DNA position 305, G replaced by C.
Protein change: p.Gly102Ala; replaces glycine 102 with alanine.
Molecular consequence: missense variant.
Genome position (GRCh38, 1-based): chr11:94,485,933, C>G on the plus strand (G>C on the coding strand, the complement: MRE11 is on the minus strand). VCF-style: chr11-94485933-C-G. GRCh37 (hg19) VCF-style: chr11-94219099-C-G.
Other names: c.305G>C, p.Gly102Ala (NM_001330347.2, NM_005590.4); short protein forms G102A.
Identifiers: ClinVar variation 945489 (VCV000945489.10), dbSNP rs199736271, ClinGen allele CA382379385.

ClinVar aggregate classification (germline): Uncertain significance. Review status: criteria provided, multiple submitters, no conflicts (2 of 4 stars). 2 submissions from 2 submitters: Uncertain significance (2). Last evaluated 2025-02-28.

Conditions:
Ataxia-telangiectasia-like disorder (ATLD). Identifiers: MedGen C1858391, MONDO:0011457.
Hereditary cancer-predisposing syndrome. Also called: Neoplastic Syndromes, Hereditary; Hereditary Cancer Syndrome; Tumor predisposition; Hereditary neoplastic syndrome. Identifiers: Orphanet 140162, MedGen C0027672, MeSH D009386, MONDO:0015356.

Submissions (2):

Ambry Genetics
Classification: Uncertain significance for Hereditary cancer-predisposing syndrome. Last evaluated: 2025-02-28. Review status: criteria provided, single submitter. Criteria: Ambry Variant Classification Scheme 2023. Collection method: clinical testing. Allele origin: germline.
Comment: The p.G102A variant (also known as c.305G>C), located in coding exon 3 of the MRE11A gene, results from a G to C substitution at nucleotide position 305. The glycine at codon 102 is replaced by alanine, an amino acid with similar properties. This amino acid position is conserved. In addition, this alteration is predicted to be tolerated by in silico analysis. Based on the available evidence, the clinical significance of this variant remains unclear.

Labcorp Genetics (formerly Invitae), Labcorp
Classification: Uncertain significance for Ataxia-telangiectasia-like disorder. Last evaluated: 2021-04-26. Review status: criteria provided, single submitter. Criteria: Invitae Variant Classification Sherloc (09022015). Collection method: clinical testing. Allele origin: germline.
Comment: This sequence change replaces glycine with alanine at codon 102 of the MRE11 protein (p.Gly102Ala). The glycine residue is moderately conserved and there is a small physicochemical difference between glycine and alanine. This variant is not present in population databases (ExAC no frequency). In summary, the available evidence is currently insufficient to determine the role of this variant in disease. Therefore, it has been classified as a Variant of Uncertain Significance. Algorithms developed to predict the effect of sequence changes on RNA splicing suggest that this variant is not likely to affect RNA splicing, but this prediction has not been confirmed by published transcriptional studies. Algorithms developed to predict the effect of missense changes on protein structure and function (SIFT, PolyPhen-2, Align-GVGD) all suggest that this variant is likely to be tolerated, but these predictions have not been confirmed by published functional studies and their clinical significance is uncertain. This variant has not been reported in the literature in individuals with MRE11-related conditions. ClinVar contains an entry for this variant (Variation ID: 945489).